The following is an entry in ClinVar:

NM_032520.5(GNPTG):c.742-13_742-12del

Gene: GNPTG (N-acetylglucosamine-1-phosphate transferase subunit gamma; plus strand). Cytogenetic location: 16p13.3.
Variant type: Deletion.
Coding change: c.742-13_742-12del on transcript NM_032520.5 (MANE Select); 13 bases into the intron before coding-DNA position 742 through 12 bases into the intron before coding-DNA position 742, 2 bases deleted (TT; older notation c.742-13_742-12delTT).
Molecular consequence: intron variant.
Genome position (GRCh38, 1-based): chr16:1,362,812-1,362,813, TT deleted; deleting any 2 consecutive bases within chr16:1,362,809-1,362,813 gives the same sequence; the c. name uses the placement nearest the transcript's 3' end. VCF-style (leftmost placement, unchanged base first): chr16-1362808-CTT-C. GRCh37 (hg19) VCF-style: chr16-1412809-CTT-C.
Identifiers: ClinVar variation 3702861 (VCV003702861.1).

ClinVar aggregate classification (germline): Uncertain significance (1 of 4 stars; one submission).

Submission:

Labcorp Genetics (formerly Invitae), Labcorp
Classification: Uncertain significance. Last evaluated: 2024-12-28. Review status: criteria provided, single submitter. Criteria: Invitae Variant Classification Sherloc (09022015). Collection method: clinical testing. Allele origin: germline.
Comment: This sequence change falls in intron 9 of the GNPTG gene. It does not directly change the encoded amino acid sequence of the GNPTG protein. This variant is present in population databases (no rsID available, gnomAD 0.003%). This variant has not been reported in the literature in individuals affected with GNPTG-related conditions. Algorithms developed to predict the effect of sequence changes on RNA splicing suggest that this variant may disrupt the consensus splice site. In summary, the available evidence is currently insufficient to determine the role of this variant in disease. Therefore, it has been classified as a Variant of Uncertain Significance.